The following is an entry in ClinVar:

NM_001365951.3(KIF1B):c.5426G>A (p.Arg1809Lys)

Gene: KIF1B (kinesin family member 1B; plus strand). Cytogenetic location: 1p36.22.
Variant type: single nucleotide variant.
Coding change: c.5426G>A on transcript NM_001365951.3 (MANE Select); coding-DNA position 5426, G replaced by A.
Protein change: p.Arg1809Lys; replaces arginine 1809 with lysine.
Molecular consequence: missense variant.
Genome position (GRCh38, 1-based): chr1:10,376,562, G>A. VCF-style: chr1-10376562-G-A. GRCh37 (hg19) VCF-style: chr1-10436620-G-A.
Other names: c.5426G>A, p.Arg1809Lys (NM_001365952.1); c.5288G>A, p.Arg1763Lys (NM_015074.3); short protein forms R1763K, R1809K.
Identifiers: ClinVar variation 3533994 (VCV003533994.1).
Genomic context (GRCh38, chr1:10,376,562, plus strand): 5'-GTACCCAGACTTCTAATCCTACCTCCCCGTTTGTCCCCCATAGGTCAAAGCTTTCCCGCA[G>A]ATGCCCGAGCCAGTCGAAATACTAAGTGACTCTGCCGAGTGCCCTCACTCGCCTTCGAGA-3'
Protein context (NP_001352880.1, residues 1799-1816): AGTIRSKLSR[Arg1809Lys]CPSQSKY

ClinVar aggregate classification (germline): Uncertain significance (1 of 4 stars; one submission).

Submission:

Ambry Genetics
Classification: Uncertain significance. Last evaluated: 2024-08-28. Review status: criteria provided, single submitter. Criteria: Ambry Variant Classification Scheme 2023. Collection method: clinical testing. Allele origin: germline.
Comment: The p.R1763K variant (also known as c.5288G>A), located in coding exon 46 of the KIF1B gene, results from a G to A substitution at nucleotide position 5288. The arginine at codon 1763 is replaced by lysine, an amino acid with highly similar properties. This amino acid position is conserved. In addition, this alteration is predicted to be tolerated by in silico analysis. Based on the available evidence, the clinical significance of this variant remains unclear.